The following is an entry in ClinVar:

NM_000038.6(APC):c.1541C>T (p.Ala514Val)

Gene: APC (APC regulator of Wnt signaling pathway; plus strand). Cytogenetic location: 5q22.2.
Variant type: single nucleotide variant.
Coding change: c.1541C>T on transcript NM_000038.6 (MANE Select); coding-DNA position 1541, C replaced by T.
Protein change: p.Ala514Val; replaces alanine 514 with valine.
Molecular consequence: missense variant.
Genome position (GRCh38, 1-based): chr5:112,827,240, C>T. VCF-style: chr5-112827240-C-T. GRCh37 (hg19) VCF-style: chr5-112162937-C-T.
Other names: c.1541C>T, p.Ala514Val (NM_001127510.3, NM_001354895.2); c.1487C>T, p.Ala496Val (NM_001127511.3); c.1595C>T, p.Ala532Val (NM_001354896.2); c.1571C>T, p.Ala524Val (NM_001354897.2); c.1466C>T, p.Ala489Val (NM_001354898.2); c.1457C>T, p.Ala486Val (NM_001354899.2); c.1418C>T, p.Ala473Val (NM_001354900.2); c.1364C>T, p.Ala455Val (NM_001354901.2); and 5 more; short protein forms A496V, A514V, A388V, A455V, A486V, A489V, A524V, A231V.
Identifiers: ClinVar variation 429060 (VCV000429060.3), dbSNP rs1131691147, ClinGen allele CA16024675.

ClinVar aggregate classification (germline): Uncertain significance (1 of 4 stars; one submission).

Conditions:
Hereditary cancer-predisposing syndrome. Also called: Hereditary Cancer Syndrome; Neoplastic Syndromes, Hereditary; Hereditary neoplastic syndrome; Tumor predisposition. Identifiers: Orphanet 140162, MedGen C0027672, MeSH D009386, MONDO:0015356.

Submission:

Ambry Genetics
Classification: Uncertain significance for Hereditary cancer-predisposing syndrome. Last evaluated: 2014-03-06. Review status: criteria provided, single submitter. Criteria: Ambry Autosomal Dominant and X-Linked criteria (10/2015). Collection method: clinical testing. Allele origin: germline. Observed: 1 variant allele.
Comment: The p.A514V variant (also known as c.1541C>T), located in coding exon 11 of the APC gene, results from a C to T substitution at nucleotide position 1541. The alanine at codon 514 is replaced by valine, an amino acid with some similar properties. This variant was not reported in population based cohorts in the following databases: Database of Single Nucleotide Polymorphisms (dbSNP), NHLBI Exome Sequencing Project (ESP), and 1000 Genomes Project. This amino acid position is highly conserved in available vertebrate species. In addition, this alteration is predicted to be benign by PolyPhen but deleterious by SIFT in silico analyses.Since supporting evidence for this variant is conflicting at this time, the clinical significance of p.A514V remains unclear.